The following is an entry in ClinVar:

NM_004329.3(BMPR1A):c.463G>T (p.Val155Phe)

Gene: BMPR1A (bone morphogenetic protein receptor type 1A; plus strand). Cytogenetic location: 10q23.2.
Variant type: single nucleotide variant.
Coding change: c.463G>T on transcript NM_004329.3 (MANE Select); coding-DNA position 463, G replaced by T.
Protein change: p.Val155Phe; replaces valine 155 with phenylalanine.
Molecular consequence: missense variant.
Genome position (GRCh38, 1-based): chr10:86,900,059, G>T. VCF-style: chr10-86900059-G-T. GRCh37 (hg19) VCF-style: chr10-88659816-G-T.
Other names: short protein forms V155F.
Identifiers: ClinVar variation 640551 (VCV000640551.9), dbSNP rs1589768221, ClinGen allele CA377450305.

ClinVar aggregate classification (germline): Uncertain significance. Review status: criteria provided, multiple submitters, no conflicts (2 of 4 stars). 2 submissions from 2 submitters: Uncertain significance (2). Last evaluated 2024-03-10.

Conditions:
Juvenile polyposis syndrome (JPS). Identifiers: Orphanet 2929, MedGen C0345893, MONDO:0017380, OMIM 174900.
Hereditary cancer-predisposing syndrome. Also called: Neoplastic Syndromes, Hereditary; Hereditary Cancer Syndrome; Hereditary neoplastic syndrome; Tumor predisposition. Identifiers: Orphanet 140162, MedGen C0027672, MeSH D009386, MONDO:0015356.

Allele frequency attached by ClinVar (database versions not stated): gnomAD exomes below 0.00001; TOPMed below 0.00001.
gnomAD v4.1: 1 of 1,614,110 alleles (0.000062%); highest among the groups gnomAD compares: Non-Finnish European, 0.000085%; no homozygotes.

Submissions (2):

Color Diagnostics, LLC DBA Color Health
Classification: Uncertain significance for Hereditary cancer-predisposing syndrome. Last evaluated: 2024-03-10. Review status: criteria provided, single submitter. Criteria: ACMG Guidelines, 2015. Collection method: clinical testing. Allele origin: germline.
Comment: This missense variant replaces valine with phenylalanine at codon 155 of the BMPR1A protein. Computational prediction suggests that this variant may not impact protein structure and function (internally defined REVEL score threshold <= 0.5, PMID: 27666373). To our knowledge, functional studies have not been reported for this variant. This variant has not been reported in individuals affected with BMPR1A-related disorders in the literature. This variant has not been identified in the general population by the Genome Aggregation Database (gnomAD). The available evidence is insufficient to determine the role of this variant in disease conclusively. Therefore, this variant is classified as a Variant of Uncertain Significance.

Labcorp Genetics (formerly Invitae), Labcorp
Classification: Uncertain significance for Juvenile polyposis syndrome. Last evaluated: 2021-10-02. Review status: criteria provided, single submitter. Criteria: Invitae Variant Classification Sherloc (09022015). Collection method: clinical testing. Allele origin: germline.
Comment: In summary, the available evidence is currently insufficient to determine the role of this variant in disease. Therefore, it has been classified as a Variant of Uncertain Significance. Algorithms developed to predict the effect of missense changes on protein structure and function are either unavailable or do not agree on the potential impact of this missense change (SIFT: "Deleterious"; PolyPhen-2: "Benign"; Align-GVGD: "Class C0"). This variant has not been reported in the literature in individuals affected with BMPR1A-related conditions. This variant is not present in population databases (ExAC no frequency). This sequence change replaces valine with phenylalanine at codon 155 of the BMPR1A protein (p.Val155Phe). The valine residue is weakly conserved and there is a small physicochemical difference between valine and phenylalanine.